The following is an entry in ClinVar:

ClinVar aggregate classification (germline): Likely pathogenic (1 of 4 stars; one submission).

Conditions:
Fabry disease. Also called: ALPHA-GALACTOSIDASE A DEFICIENCY; ANDERSON-FABRY DISEASE; CERAMIDE TRIHEXOSIDASE DEFICIENCY; GLA DEFICIENCY; HEREDITARY DYSTOPIC LIPIDOSIS; Angiokeratoma corporis diffusum. Identifiers: Orphanet 324, MedGen C0002986, MONDO:0010526, OMIM 301500, HP:0001071. Disease mechanism: Fabry disease is due to inactivating mutations in the X-linked GLA gene resulting in deficiency of the enzyme Alpha Galactosidase-A., loss of function.

Submission:

Genomenon, Inc
Classification: Likely pathogenic for Fabry disease. Last evaluated: 2026-09-08. Review status: criteria provided, single submitter. Criteria: Genomenon Sequence Variant Interpretation Standards - Updated. Collection method: curation. Allele origin: germline. Affected: yes.
Comment: GLA p.Leu131Arg (c.392T>G) is a missense variant that changes the amino acid at codon 131 from Leucine to Arginine. This variant has been observed in at least one proband with clinical features consistent with Fabry disease (PMID:36094773). The variant was found to segregate with disease in at least one affected family (PMID:36094773). Functional or patient cell studies have been reported (PMID:36094773). The presence of pathogenic/likely pathogenic missense variant(s) at the same amino acid position indicates that this residue is likely important for protein function. It is absent or not present at a significant frequency in gnomAD. In silico models predict that this variant is possibly or probably damaging. In conclusion, we classify GLA p.Leu131Arg (c.392T>G) as a likely pathogenic variant.

Literature cited by the submitters: PubMed 36094773.

NM_000169.3(GLA):c.392T>G (p.Leu131Arg)

Genes: GLA (galactosidase alpha; minus strand), RPL36A-HNRNPH2 (RPL36A-HNRNPH2 readthrough; plus strand). Cytogenetic location: Xq22.1.
Variant type: single nucleotide variant.
Coding change: c.392T>G on transcript NM_000169.3 (MANE Select); coding-DNA position 392, T replaced by G.
Protein change: p.Leu131Arg; replaces leucine 131 with arginine.
Molecular consequence: missense variant. On other transcripts: non-coding transcript variant (3), intron variant (2).
Genome position (GRCh38, 1-based): chrX:101,401,787, A>C on the plus strand (T>G on the coding strand, the complement: GLA is on the minus strand). VCF-style: chrX-101401787-A-C. GRCh37 (hg19) VCF-style: chrX-100656775-A-C.
Other names: c.515T>G, p.Leu172Arg (NM_001406747.1, NM_001406749.1); c.392T>G, p.Leu131Arg (NM_001406748.1); c.300+6330A>C (NM_001199973.2); c.177+9965A>C (NM_001199974.2); short protein forms L131R, L172R.
Identifiers: ClinVar variation 4087355 (VCV004087355.2).